The following is an entry in ClinVar:

NM_001231.5(CASQ1):c.866C>T (p.Ala289Val)

Gene: CASQ1 (calsequestrin 1; plus strand). Cytogenetic location: 1q23.2.
Variant type: single nucleotide variant.
Coding change: c.866C>T on transcript NM_001231.5 (MANE Select); coding-DNA position 866, C replaced by T.
Protein change: p.Ala289Val; replaces alanine 289 with valine.
Molecular consequence: missense variant.
Genome position (GRCh38, 1-based): chr1:160,198,714, C>T. VCF-style: chr1-160198714-C-T. GRCh37 (hg19) VCF-style: chr1-160168504-C-T.
Other names: c.866C>T (NM_001231.4); short protein forms A289V.
Identifiers: ClinVar variation 1973079 (VCV001973079.7), dbSNP rs1254872863, ClinGen allele CA343260741.

ClinVar aggregate classification (germline): Uncertain significance. Review status: criteria provided, multiple submitters, no conflicts (2 of 4 stars). 3 submissions from 3 submitters: Uncertain significance (3). Last evaluated 2026-08-05.

Conditions:
Inborn genetic diseases. Identifiers: MedGen C0950123, MeSH D030342.
CASQ1-related disorder. Also called: CASQ1-related condition.

Allele frequency attached by ClinVar (database versions not stated): gnomAD exomes below 0.00001; TOPMed 0.00002.
gnomAD v4.1: 7 of 1,613,620 alleles (0.00043%); highest among the groups gnomAD compares: Admixed American, 0.012%; no homozygotes.

Submissions (3):

PreventionGenetics, part of Exact Sciences
Classification: Uncertain significance for CASQ1-related condition. Last evaluated: 2026-08-05. Review status: criteria provided, single submitter. Criteria: ACMG Guidelines, 2015. Collection method: clinical testing. Allele origin: germline.
Comment: The CASQ1 c.866C>T variant is predicted to result in the amino acid substitution p.Ala289Val. To our knowledge, this variant has not been reported in the literature. This variant is reported in 0.0058% of alleles in individuals of Latino descent in gnomAD. At this time, the clinical significance of this variant is uncertain due to the absence of conclusive functional and genetic evidence.

Labcorp Genetics (formerly Invitae), Labcorp
Classification: Uncertain significance. Last evaluated: 2024-06-26. Review status: criteria provided, single submitter. Criteria: Invitae Variant Classification Sherloc (09022015). Collection method: clinical testing. Allele origin: germline.
Comment: This sequence change replaces alanine, which is neutral and non-polar, with valine, which is neutral and non-polar, at codon 289 of the CASQ1 protein (p.Ala289Val). This variant is present in population databases (no rsID available, gnomAD 0.003%). This variant has not been reported in the literature in individuals affected with CASQ1-related conditions. ClinVar contains an entry for this variant (Variation ID: 1973079). Advanced modeling of protein sequence and biophysical properties (such as structural, functional, and spatial information, amino acid conservation, physicochemical variation, residue mobility, and thermodynamic stability) performed at Invitae indicates that this missense variant is not expected to disrupt CASQ1 protein function with a negative predictive value of 80%. In summary, the available evidence is currently insufficient to determine the role of this variant in disease. Therefore, it has been classified as a Variant of Uncertain Significance.

Ambry Genetics
Classification: Uncertain significance for Inborn genetic diseases. Last evaluated: 2023-10-17. Review status: criteria provided, single submitter. Criteria: Ambry Variant Classification Scheme 2023. Collection method: clinical testing. Allele origin: germline.